The following is an entry in ClinVar:

ClinVar aggregate classification (germline): Uncertain significance (1 of 4 stars; one submission).

gnomAD v4.1: 2 of 1,613,996 alleles (0.00012%); highest among the groups gnomAD compares: Admixed American, 0.0033%; no homozygotes.

Submission:

Labcorp Genetics (formerly Invitae), Labcorp
Classification: Uncertain significance. Last evaluated: 2025-12-02. Review status: criteria provided, single submitter. Criteria: Invitae Variant Classification Sherloc (09022015). Collection method: clinical testing. Allele origin: germline.
Comment: This sequence change replaces leucine, which is neutral and non-polar, with histidine, which is basic and polar, at codon 182 of the ARHGAP24 protein (p.Leu182His). This variant is not present in population databases (gnomAD no frequency). This variant has not been reported in the literature in individuals affected with ARHGAP24-related conditions. An algorithm developed to predict the effect of missense changes on protein structure and function (PolyPhen-2) suggests that this variant is likely to be tolerated. In summary, the available evidence is currently insufficient to determine the role of this variant in disease. Therefore, it has been classified as a Variant of Uncertain Significance.

NM_001025616.3(ARHGAP24):c.545T>A (p.Leu182His)

Gene: ARHGAP24 (Rho GTPase activating protein 24; plus strand). Cytogenetic location: 4q21.23.
Variant type: single nucleotide variant.
Coding change: c.545T>A on transcript NM_001025616.3 (MANE Select); coding-DNA position 545, T replaced by A.
Protein change: p.Leu182His; replaces leucine 182 with histidine.
Molecular consequence: missense variant. On other transcripts: intron variant (1).
Genome position (GRCh38, 1-based): chr4:85,942,219, T>A. VCF-style: chr4-85942219-T-A. GRCh37 (hg19) VCF-style: chr4-86863372-T-A.
Other names: c.260T>A, p.Leu87His (NM_001042669.2); c.290T>A, p.Leu97His (NM_001287805.2); c.266T>A, p.Leu89His (NM_031305.3); c.20+18449T>A (NM_001346093.2); short protein forms L97H, L87H, L89H, L182H.
Identifiers: ClinVar variation 4694416 (VCV004694416.1).